The following is an entry in ClinVar:

ClinVar aggregate classification (germline): Uncertain significance. Review status: criteria provided, multiple submitters, no conflicts (2 of 4 stars). 4 submissions from 4 submitters: Uncertain significance (4). Last evaluated 2026-01-26.

Conditions:
Cardiovascular phenotype. Identifiers: MedGen CN230736.
Distal myopathy with posterior leg and anterior hand involvement. Also called: WILLIAMS DISTAL MYOPATHY. Identifiers: Orphanet 63273, MedGen C3279722, MONDO:0013550, OMIM 614065.
Hypertrophic cardiomyopathy 26. Also called: Cardiomyopathy, familial hypertrophic, 26. Identifiers: Orphanet 75249, MedGen C4310749, MONDO:0014883, OMIM 617047.
Myofibrillar myopathy 5. Also called: Filaminopathy (type); FILAMINOPATHY, AUTOSOMAL DOMINANT. Identifiers: Orphanet 171445, MedGen C1836050, MONDO:0012289, OMIM 609524.

Allele frequency attached by ClinVar (database versions not stated): TOPMed below 0.00001; ExAC 0.00001; gnomAD 0.00001; gnomAD exomes 0.00001 and 0.00004.
gnomAD v4.1: 59 of 1,613,892 alleles (0.0037%); highest among the groups gnomAD compares: Non-Finnish European, 0.0049%; no homozygotes.

Submissions (4):

Labcorp Genetics (formerly Invitae), Labcorp
Classification: Uncertain significance for Distal myopathy with posterior leg and anterior hand involvement; Myofibrillar myopathy 5; Hypertrophic cardiomyopathy 26. Last evaluated: 2026-01-26. Review status: criteria provided, single submitter. Criteria: Invitae Variant Classification Sherloc (09022015). Collection method: clinical testing. Allele origin: germline.
Comment: This sequence change replaces cysteine, which is neutral and slightly polar, with tyrosine, which is neutral and polar, at codon 2101 of the FLNC protein (p.Cys2101Tyr). This variant is present in population databases (rs760120511, gnomAD 0.002%). This variant has not been reported in the literature in individuals affected with FLNC-related conditions. ClinVar contains an entry for this variant (Variation ID: 1520415). Invitae Evidence Modeling of protein sequence and biophysical properties (such as structural, functional, and spatial information, amino acid conservation, physicochemical variation, residue mobility, and thermodynamic stability) has been performed for this missense variant. However, the output from this modeling did not meet the statistical confidence thresholds required to predict the impact of this variant on FLNC protein function. In summary, the available evidence is currently insufficient to determine the role of this variant in disease. Therefore, it has been classified as a Variant of Uncertain Significance.

Molecular Diagnostic Laboratory for Inherited Cardiovascular Disease, Montreal Heart Institute
Classification: Uncertain significance for Cardiovascular phenotype. Last evaluated: 2025-04-09. Review status: criteria provided, single submitter. Criteria: ACMG Guidelines, 2015. Collection method: clinical testing. Allele origin: germline. Affected: yes.

GeneDx
Classification: Uncertain significance. Last evaluated: 2025-01-13. Review status: criteria provided, single submitter. Criteria: GeneDx Variant Classification Process June 2021. Collection method: clinical testing. Allele origin: germline. Affected: yes.
Comment: Not observed at significant frequency in large population cohorts (gnomAD); In silico analysis supports that this missense variant has a deleterious effect on protein structure/function; Has not been previously published as pathogenic or benign to our knowledge

Blueprint Genetics
Classification: Uncertain significance. Last evaluated: 2022-07-29. Review status: criteria provided, single submitter. Criteria: ACMG Guidelines, 2015. Collection method: clinical testing. Allele origin: germline.

NM_001458.5(FLNC):c.6302G>A (p.Cys2101Tyr)

Genes: FLNC (filamin C; plus strand), FLNC-AS1 (FLNC antisense RNA 1; minus strand). Cytogenetic location: 7q32.1.
Variant type: single nucleotide variant.
Coding change: c.6302G>A on transcript NM_001458.5 (MANE Select); coding-DNA position 6302, G replaced by A.
Protein change: p.Cys2101Tyr; replaces cysteine 2101 with tyrosine.
Molecular consequence: missense variant.
Genome position (GRCh38, 1-based): chr7:128,853,562, G>A. VCF-style: chr7-128853562-G-A. GRCh37 (hg19) VCF-style: chr7-128493616-G-A.
Other names: c.6203G>A, p.Cys2068Tyr (NM_001127487.2); c.6302G>A (NM_001458.4); short protein forms C2068Y, C2101Y.
Identifiers: ClinVar variation 1520415 (VCV001520415.8), dbSNP rs760120511, ClinGen allele CA4475938.